The following is an entry in ClinVar:

ClinVar aggregate classification (germline): Pathogenic. Review status: criteria provided, multiple submitters, no conflicts (2 of 4 stars). 3 submissions from 3 submitters: Pathogenic (3). Last evaluated 2022-12-16.

Conditions:
Becker muscular dystrophy (BMD). Also called: MUSCULAR DYSTROPHY, PSEUDOHYPERTROPHIC PROGRESSIVE, BECKER TYPE; Becker Muscular Dystrophy (BMD). Identifiers: Orphanet 98895, MedGen C0917713, MONDO:0010311, OMIM 300376.
Duchenne muscular dystrophy (DMD). Also called: Duchenne Muscular Dystrophy (DMD); MUSCULAR DYSTROPHY, PSEUDOHYPERTROPHIC PROGRESSIVE, DUCHENNE TYPE. Identifiers: Orphanet 98896, MedGen C0013264, MONDO:0010679, OMIM 310200.

Submissions (3):

Laboratory of Medical Genetics, National & Kapodistrian University of Athens
Classification: Pathogenic for Duchenne muscular dystrophy. Last evaluated: 2022-12-16. Review status: criteria provided, single submitter. Criteria: ACMG Guidelines, 2015. Collection method: clinical testing. Allele origin: germline. Affected: yes.
Comment: PVS1, PM2, PP5

Mendelics
Classification: Pathogenic for Becker muscular dystrophy. Last evaluated: 2022-05-04. Review status: criteria provided, single submitter. Criteria: Mendelics Assertion Criteria 2019. Collection method: clinical testing. Allele origin: germline.

Labcorp Genetics (formerly Invitae), Labcorp
Classification: Pathogenic for Duchenne muscular dystrophy. Last evaluated: 2019-08-19. Review status: criteria provided, single submitter. Criteria: Invitae Variant Classification Sherloc (09022015). Collection method: clinical testing. Allele origin: germline.
Comment: This sequence change creates a premature translational stop signal (p.Glu976*) in the DMD gene. It is expected to result in an absent or disrupted protein product. This variant is not present in population databases (ExAC no frequency). This variant has not been reported in the literature in individuals with DMD-related conditions. Loss-of-function variants in DMD are known to be pathogenic (PMID: 16770791, 25007885). For these reasons, this variant has been classified as Pathogenic.

Literature cited by the submitters: PubMed 31671740 (cited by Laboratory of Medical Genetics, National & Kapodistrian University of Athens); PubMed 16770791 (cited by Labcorp Genetics (formerly Invitae), Labcorp); PubMed 25007885 (cited by Labcorp Genetics (formerly Invitae), Labcorp).

NM_004006.3(DMD):c.2926G>T (p.Glu976Ter)

Gene: DMD (dystrophin; minus strand). Cytogenetic location: Xp21.1.
Variant type: single nucleotide variant.
Coding change: c.2926G>T on transcript NM_004006.3 (MANE Select); coding-DNA position 2926, G replaced by T.
Protein change: p.Glu976Ter; replaces glutamic acid 976 with a stop codon.
Molecular consequence: nonsense.
Genome position (GRCh38, 1-based): chrX:32,472,187, C>A on the plus strand (G>T on the coding strand, the complement: DMD is on the minus strand). VCF-style: chrX-32472187-C-A. GRCh37 (hg19) VCF-style: chrX-32490304-C-A.
Other names: c.2902G>T, p.Glu968Ter (NM_000109.4); c.2914G>T, p.Glu972Ter (NM_004009.3); c.2557G>T, p.Glu853Ter (NM_004010.3); short protein forms E968*, E853*, E972*, E976*.
Identifiers: ClinVar variation 938083 (VCV000938083.10), dbSNP rs767387334, ClinGen allele CA412667864.
Genomic context (GRCh38, chrX:32,472,187, plus strand): 5'-CGTGCTTTATTGTTTTGACATTCAAATATTCACAGACCTGCAATTCCCCGAGTCTCTGCT[C>A]CATGATTTCATAGTCGGTGACACTAAGTTGAGGTATGGAGAGTTTGGTTTCTGACTGCTG-3'